The following is an entry in ClinVar:

ClinVar aggregate classification (germline): Uncertain significance (1 of 4 stars; one submission).

Conditions:
Mucopolysaccharidosis, MPS-IV-A (MPS4A). Also called: Morquio syndrome A, mild; MORQUIO SYNDROME A; GALACTOSAMINE-6-SULFATASE DEFICIENCY; GALNS DEFICIENCY; MORQUIO A DISEASE; Mucopolysaccharidosis type IV A. Identifiers: Orphanet 309297, Orphanet 582, MedGen C0086651, MONDO:0009659, OMIM 253000.

Allele frequency attached by ClinVar (database versions not stated): gnomAD exomes below 0.00001.
gnomAD v4.1: 1 of 1,613,320 alleles (0.000062%); highest among the groups gnomAD compares: Admixed American, 0.0017%; no homozygotes.

Submission:

Labcorp Genetics (formerly Invitae), Labcorp
Classification: Uncertain significance for Mucopolysaccharidosis, MPS-IV-A. Last evaluated: 2022-02-28. Review status: criteria provided, single submitter. Criteria: Invitae Variant Classification Sherloc (09022015). Collection method: clinical testing. Allele origin: germline.
Comment: This variant has not been reported in the literature in individuals affected with GALNS-related conditions. In summary, the available evidence is currently insufficient to determine the role of this variant in disease. Therefore, it has been classified as a Variant of Uncertain Significance. Advanced modeling of protein sequence and biophysical properties (such as structural, functional, and spatial information, amino acid conservation, physicochemical variation, residue mobility, and thermodynamic stability) performed at Invitae indicates that this missense variant is expected to disrupt GALNS protein function. This variant is not present in population databases (gnomAD no frequency). This sequence change replaces asparagine, which is neutral and polar, with serine, which is neutral and polar, at codon 58 of the GALNS protein (p.Asn58Ser).

NM_000512.5(GALNS):c.173A>G (p.Asn58Ser)

Gene: GALNS (galactosamine (N-acetyl)-6-sulfatase; minus strand). Cytogenetic location: 16q24.3.
Variant type: single nucleotide variant.
Coding change: c.173A>G on transcript NM_000512.5 (MANE Select); coding-DNA position 173, A replaced by G.
Protein change: p.Asn58Ser; replaces asparagine 58 with serine.
Molecular consequence: missense variant. On other transcripts: intron variant (1).
Genome position (GRCh38, 1-based): chr16:88,842,777, T>C on the plus strand (A>G on the coding strand, the complement: GALNS is on the minus strand). VCF-style: chr16-88842777-T-C. GRCh37 (hg19) VCF-style: chr16-88909185-T-C.
Other names: c.191A>G, p.Asn64Ser (NM_001323544.2); c.-311-806A>G (NM_001323543.2); short protein forms N58S, N64S.
Identifiers: ClinVar variation 2104189 (VCV002104189.4), dbSNP rs2543580489, ClinGen allele CA397091745.